The following is an entry in ClinVar:

NM_003482.4(KMT2D):c.11738AGC[5] (p.Gln3918_Gln3919del)

Gene: KMT2D (lysine methyltransferase 2D; minus strand). Cytogenetic location: 12q13.12.
Variant type: Microsatellite.
Coding change: c.11738AGC[5] on transcript NM_003482.4 (MANE Select); five copies in a row of the 3-base unit AGC starting at c.11738; the reference has seven copies in a row; two copies, 6 bases deleted; also written c.11753_11758del.
Protein change: p.Gln3918_Gln3919del.
Molecular consequence: inframe deletion.
Genome position (GRCh38, 1-based): chr12:49,032,947-49,032,952, GCTGCT deleted on the plus strand (AGCAGC on the coding strand, the reverse complement: KMT2D is on the minus strand); deleting any 6 consecutive bases within chr12:49,032,947-49,032,968 gives the same sequence; the position shown is the placement nearest the transcript's 3' end. VCF-style (leftmost placement, unchanged base first): chr12-49032946-AGCTGCT-A. GRCh37 (hg19) VCF-style: chr12-49426729-AGCTGCT-A.
Other names: c.11753_11758del6 (NM_003482.3); c.11753_11758del (NM_003482.4).
Identifiers: ClinVar variation 1331140 (VCV001331140.15), dbSNP rs576788910, ClinGen allele CA689537811.

ClinVar aggregate classification (germline): Conflicting classifications of pathogenicity. Review status: criteria provided, conflicting classifications (1 of 4 stars). 5 submissions from 5 submitters: Uncertain significance (4); Likely benign (1). Last evaluated 2025-12-01.

Conditions:
Choanal atresia-athelia-hypothyroidism-delayed puberty-short stature syndrome (BCAHH). Also called: BRANCHIAL ARCH ABNORMALITIES, CHOANAL ATRESIA, ATHELIA, HEARING LOSS, AND HYPOTHYROIDISM SYNDROME. Identifiers: Orphanet 589856, MedGen C5680310, MONDO:0035651, OMIM 620186.
Kabuki syndrome 1 (KABUK1). Also called: KMT2D-Related Kabuki Syndrome. Identifiers: Orphanet 2322, MedGen CN030661, MONDO:0007843, OMIM 147920.
Kabuki syndrome. Also called: NIIKAWA-KUROKI SYNDROME; Kabuki make-up syndrome. Identifiers: Orphanet 2322, MedGen C0796004, MONDO:0016512.
KMT2D-related disorder. Also called: KMT2D-Related Disorders.

Submissions (5):

CeGaT Center for Human Genetics Tuebingen
Classification: Likely benign. Last evaluated: 2025-12-01. Review status: criteria provided, single submitter. Criteria: CeGaT Center For Human Genetics Tuebingen Variant Classification Criteria Version 2. Collection method: clinical testing. Allele origin: germline. Affected: yes. Observed: 1 variant allele.
Comment: KMT2D: BS2

Labcorp Genetics (formerly Invitae), Labcorp
Classification: Uncertain significance for Kabuki syndrome. Last evaluated: 2025-11-17. Review status: criteria provided, single submitter. Criteria: Invitae Variant Classification Sherloc (09022015). Collection method: clinical testing. Allele origin: germline.
Comment: This variant, c.11753_11758del, results in the deletion of 2 amino acid(s) of the KMT2D protein (p.Gln3918_Gln3919del), but otherwise preserves the integrity of the reading frame. This variant is not present in population databases (gnomAD no frequency). This variant has not been reported in the literature in individuals affected with KMT2D-related conditions. This variant has been observed in at least one individual who was not affected with KMT2D-related conditions (internal data). ClinVar contains an entry for this variant (Variation ID: 1331140). Experimental studies and prediction algorithms are not available or were not evaluated, and the functional significance of this variant is currently unknown. In summary, the available evidence is currently insufficient to determine the role of this variant in disease. Therefore, it has been classified as a Variant of Uncertain Significance.

PreventionGenetics, part of Exact Sciences
Classification: Uncertain significance for KMT2D-related condition. Last evaluated: 2024-11-04. Review status: criteria provided, single submitter. Criteria: ACMG Guidelines, 2015. Collection method: clinical testing. Allele origin: germline.
Comment: The KMT2D c.11753_11758del6 variant is predicted to result in an in-frame deletion (p.Gln3918_Gln3919del). To our knowledge, this variant has not been reported in the literature or in a large population database, indicating this variant is rare. At this time, the clinical significance of this variant is uncertain due to the absence of conclusive functional and genetic evidence.

Fulgent Genetics
Classification: Uncertain significance for Kabuki syndrome 1; Choanal atresia-athelia-hypothyroidism-delayed puberty-short stature syndrome. Last evaluated: 2024-05-24. Review status: criteria provided, single submitter. Criteria: ACMG Guidelines, 2015. Collection method: clinical testing. Allele origin: germline.

GeneDx
Classification: Uncertain significance. Last evaluated: 2021-07-02. Review status: criteria provided, single submitter. Criteria: GeneDx Variant Classification Process June 2021. Collection method: clinical testing. Allele origin: germline. Affected: yes.
Comment: Has not been previously published as pathogenic or benign to our knowledge; Not observed at significant frequency in large population cohorts (Lek et al., 2016); In-frame deletion of 2 amino acids in a non-repeat region; This variant is associated with the following publications: (PMID: 27535533)